The following is an entry in ClinVar:

ClinVar aggregate classification (germline): Uncertain significance (1 of 4 stars; one submission).

Conditions:
Hereditary cancer-predisposing syndrome. Also called: Neoplastic Syndromes, Hereditary; Tumor predisposition; Hereditary neoplastic syndrome; Hereditary Cancer Syndrome. Identifiers: Orphanet 140162, MedGen C0027672, MeSH D009386, MONDO:0015356.

Submission:

Ambry Genetics
Classification: Uncertain significance for Hereditary cancer-predisposing syndrome. Last evaluated: 2026-07-07. Review status: criteria provided, single submitter. Criteria: Ambry Variant Classification Scheme 2023. Collection method: clinical testing. Allele origin: germline.
Comment: The p.N599T variant (also known as c.1796A>C), located in coding exon 9 of the BRCA1 gene, results from an A to C substitution at nucleotide position 1796. The asparagine at codon 599 is replaced by threonine, an amino acid with similar properties. This amino acid position is conserved. In addition, the in silico prediction for this alteration is inconclusive. Based on the available evidence, the clinical significance of this variant remains unclear.

NM_007294.4(BRCA1):c.1796A>C (p.Asn599Thr)

Gene: BRCA1 (BRCA1 DNA repair associated; minus strand). Cytogenetic location: 17q21.31.
Variant type: single nucleotide variant.
Coding change: c.1796A>C on transcript NM_007294.4 (MANE Select); coding-DNA position 1796, A replaced by C.
Protein change: p.Asn599Thr; replaces asparagine 599 with threonine.
Molecular consequence: missense variant. On other transcripts: intron variant (137).
Genome position (GRCh38, 1-based): chr17:43,093,735, T>G on the plus strand (A>C on the coding strand, the complement: BRCA1 is on the minus strand). VCF-style: chr17-43093735-T-G. GRCh37 (hg19) VCF-style: chr17-41245752-T-G.
Other names: c.1652A>C, p.Asn551Thr (NM_001407742.1, NM_001407743.1, NM_001407744.1 and 20 more transcripts); c.1655A>C, p.Asn552Thr (NM_001407750.1, NM_001407751.1, NM_001407752.1 and 29 more transcripts); c.1793A>C, p.Asn598Thr (NM_001407591.1, NM_001407627.1, NM_001407628.1 and 22 more transcripts); c.1796A>C, p.Asn599Thr (NM_001407593.1, NM_001407594.1, NM_001407596.1 and 30 more transcripts); c.1787A>C, p.Asn596Thr (NM_001407646.1, NM_001407647.1); c.1673A>C, p.Asn558Thr (NM_001407648.1, NM_001407664.1, NM_001407665.1 and 19 more transcripts); c.1715A>C, p.Asn572Thr (NM_001407661.1, NM_001407662.1, NM_001407659.1 and 1 more transcripts); c.1718A>C, p.Asn573Thr (NM_001407663.1, NM_001407653.1, NM_001407654.1 and 4 more transcripts); and 40 more; short protein forms N303T, N528T, N532T, N572T, N598T, N599T, N431T, N511T.
Identifiers: ClinVar variation 5033150 (VCV005033150.1).